The following is an entry in ClinVar:

NM_006766.5(KAT6A):c.1485A>G (p.Lys495=)

Gene: KAT6A (lysine acetyltransferase 6A; minus strand). Cytogenetic location: 8p11.21.
Variant type: single nucleotide variant.
Coding change: c.1485A>G on transcript NM_006766.5 (MANE Select); coding-DNA position 1485, A replaced by G.
Protein change: p.Lys495=; no amino-acid change (lysine 495 retained).
Molecular consequence: synonymous variant.
Genome position (GRCh38, 1-based): chr8:41,955,409, T>C on the plus strand (A>G on the coding strand, the complement: KAT6A is on the minus strand). VCF-style: chr8-41955409-T-C. GRCh37 (hg19) VCF-style: chr8-41812927-T-C.
Other names: c.1485A>G, p.Lys495= (NM_001305878.2).
Identifiers: ClinVar variation 4806178 (VCV004806178.1).
Genomic context (GRCh38, chr8:41,955,409, plus strand): 5'-CCCAAACTCAATGACAGAGGGACAGCGGACTTGTGGATCAGGGGGACCAGTCACTCCAAC[T>C]TTCTGTGCAGTCAAGAAATACATTCAAAAGTTAGCTAAATTAGACACACTGAGATAACAA-3'
Protein context (NP_006757.2, residues 485-505): FRDIQEQALQ[Lys495=]VGVTGPPDPQ

ClinVar aggregate classification (germline): Uncertain significance (1 of 4 stars; one submission).

gnomAD v4.1: 1 of 1,597,068 alleles (0.000063%); highest among the groups gnomAD compares: Non-Finnish European, 0.000086%; no homozygotes.

Submission:

Labcorp Genetics (formerly Invitae), Labcorp
Classification: Uncertain significance. Last evaluated: 2025-04-22. Review status: criteria provided, single submitter. Criteria: Invitae Variant Classification Sherloc (09022015). Collection method: clinical testing. Allele origin: germline.
Comment: This sequence change affects codon 495 of the KAT6A mRNA. It is a 'silent' change, meaning that it does not change the encoded amino acid sequence of the KAT6A protein. This variant is not present in population databases (gnomAD no frequency). This variant has not been reported in the literature in individuals affected with KAT6A-related conditions. Algorithms developed to predict the effect of sequence changes on RNA splicing suggest that this variant may create or strengthen a splice site. In summary, the available evidence is currently insufficient to determine the role of this variant in disease. Therefore, it has been classified as a Variant of Uncertain Significance.